The following is an entry in ClinVar:

ClinVar aggregate classification (germline): Uncertain significance (1 of 4 stars; one submission).

Conditions:
Hereditary cancer-predisposing syndrome. Also called: Neoplastic Syndromes, Hereditary; Tumor predisposition; Hereditary Cancer Syndrome; Hereditary neoplastic syndrome. Identifiers: Orphanet 140162, MedGen C0027672, MeSH D009386, MONDO:0015356.

Submission:

Ambry Genetics
Classification: Uncertain significance for Hereditary cancer-predisposing syndrome. Last evaluated: 2025-02-27. Review status: criteria provided, single submitter. Criteria: Ambry Variant Classification Scheme 2023. Collection method: clinical testing. Allele origin: germline.
Comment: The c.1798_1803delGTTCTCinsCCAAACACA variant (also known as p.V600_L601delinsPNT), located in coding exon 13 of the MSH3 gene, results from an in-frame deletion of GTTCTC and insertion of CCAAACACA at nucleotide positions 1798 to 1803. This results in the in-frame deletion of two amino acids (VL) at codons 600 and 601 and the insertion of three amino acids (PNT). These amino acid positions are highly conserved through mammals, but not in all available vertebrate species. In addition, this alteration is predicted to be deleterious by in silico analysis (Choi Y et al. PLoS ONE. 2012; 7(10):e46688). Based on the available evidence, the clinical significance of this variant remains unclear.

NM_002439.5(MSH3):c.1798_1803delinsCCAAACACA (p.Val600_Leu601delinsProAsnThr)

Gene: MSH3 (mutS homolog 3; plus strand). Cytogenetic location: 5q14.1.
Variant type: Indel.
Coding change: c.1798_1803delinsCCAAACACA on transcript NM_002439.5 (MANE Select); coding-DNA positions 1798 to 1803, GTTCTC replaced by CCAAACACA.
Protein change: p.Val600_Leu601delinsProAsnThr.
Molecular consequence: inframe indel.
Genome position (GRCh38, 1-based): chr5:80,761,580-80,761,585, GTTCTC replaced by CCAAACACA. VCF-style: chr5-80761580-GTTCTC-CCAAACACA. GRCh37 (hg19) VCF-style: chr5-80057399-GTTCTC-CCAAACACA.
Identifiers: ClinVar variation 1780292 (VCV001780292.3), dbSNP rs2546770013, ClinGen allele CA2580073526.
Genomic context (GRCh38, chr5:80,761,580, plus strand): 5'-TTATTGCTATTACTCTTTTCTCACAGGGAAATAAATGCCCGGCTTGATGCTGTATCGGAA[GTTCTC>CCAAACACA]CATTCAGAATCTAGTGTGTTTGGTCAGATAGAAAATCATCTACGTAAATTGCCCGACATA-3'